The following is an entry in ClinVar:

NM_012193.4(FZD4):c.143T>A (p.Ile48Asn)

Gene: FZD4 (frizzled class receptor 4; minus strand). Cytogenetic location: 11q14.2.
Variant type: single nucleotide variant.
Coding change: c.143T>A on transcript NM_012193.4 (MANE Select); coding-DNA position 143, T replaced by A.
Protein change: p.Ile48Asn; replaces isoleucine 48 with asparagine.
Molecular consequence: missense variant.
Genome position (GRCh38, 1-based): chr11:86,954,943, A>T on the plus strand (T>A on the coding strand, the complement: FZD4 is on the minus strand). VCF-style: chr11-86954943-A-T. GRCh37 (hg19) VCF-style: chr11-86665985-A-T.
Other names: short protein forms I48N.
Identifiers: ClinVar variation 1520956 (VCV001520956.8), dbSNP rs2135045346, ClinGen allele CA382018426.

ClinVar aggregate classification (germline): Uncertain significance (1 of 4 stars; one submission).

Submission:

Labcorp Genetics (formerly Invitae), Labcorp
Classification: Uncertain significance. Last evaluated: 2023-03-21. Review status: criteria provided, single submitter. Criteria: Invitae Variant Classification Sherloc (09022015). Collection method: clinical testing. Allele origin: germline.
Comment: In summary, the available evidence is currently insufficient to determine the role of this variant in disease. Therefore, it has been classified as a Variant of Uncertain Significance. Advanced modeling of protein sequence and biophysical properties (such as structural, functional, and spatial information, amino acid conservation, physicochemical variation, residue mobility, and thermodynamic stability) has been performed at Invitae for this missense variant, however the output from this modeling did not meet the statistical confidence thresholds required to predict the impact of this variant on FZD4 protein function. ClinVar contains an entry for this variant (Variation ID: 1520956). This variant has not been reported in the literature in individuals affected with FZD4-related conditions. This variant is not present in population databases (gnomAD no frequency). This sequence change replaces isoleucine, which is neutral and non-polar, with asparagine, which is neutral and polar, at codon 48 of the FZD4 protein (p.Ile48Asn).